The following is an entry in ClinVar:

ClinVar aggregate classification (germline): Uncertain significance (1 of 4 stars; one submission).

Submission:

Labcorp Genetics (formerly Invitae), Labcorp
Classification: Uncertain significance. Last evaluated: 2024-04-17. Review status: criteria provided, single submitter. Criteria: Invitae Variant Classification Sherloc (09022015). Collection method: clinical testing. Allele origin: germline.
Comment: This sequence change replaces glycine, which is neutral and non-polar, with valine, which is neutral and non-polar, at codon 472 of the VPS13C protein (p.Gly472Val). Information on the frequency of this variant in the gnomAD database is not available, as this variant may be reported differently in the database. This variant has not been reported in the literature in individuals affected with VPS13C-related conditions. ClinVar contains an entry for this variant (Variation ID: 1970608). An algorithm developed to predict the effect of missense changes on protein structure and function (PolyPhen-2) suggests that this variant is likely to be disruptive. In summary, the available evidence is currently insufficient to determine the role of this variant in disease. Therefore, it has been classified as a Variant of Uncertain Significance.

NM_020821.3(VPS13C):c.1415_1416delinsTT (p.Gly472Val)

Gene: VPS13C (vacuolar protein sorting 13 homolog C; minus strand). Cytogenetic location: 15q22.2.
Variant type: Indel.
Coding change: c.1415_1416delinsTT on transcript NM_020821.3 (MANE Select); coding-DNA positions 1415 to 1416, GC replaced by TT.
Protein change: p.Gly472Val; replaces glycine 472 with valine.
Molecular consequence: missense variant.
Genome position (GRCh38, 1-based): chr15:61,991,740-61,991,741, GC replaced by AA on the plus strand (GC replaced by TT on the coding strand, the reverse complement: VPS13C is on the minus strand). VCF-style: chr15-61991740-GC-AA. GRCh37 (hg19) VCF-style: chr15-62283939-GC-AA.
Other names: c.1415_1416delinsTT, p.Gly472Val (NM_001018088.3); c.1286_1287delinsTT, p.Gly429Val (NM_017684.5, NM_018080.4); short protein forms G429V, G472V.
Identifiers: ClinVar variation 1970608 (VCV001970608.5), dbSNP rs2548060711, ClinGen allele CA2580089839.